The following is an entry in ClinVar:

ClinVar aggregate classification (germline): Conflicting classifications of pathogenicity. Review status: criteria provided, conflicting classifications (1 of 4 stars). 2 submissions from 2 submitters: Likely pathogenic (1); Uncertain significance (1). Last evaluated 2025-08-04.

Conditions:
Neuromuscular disease caused by qualitative or quantitative defects of dysferlin. Also called: Dysferlinopathy; Qualitative or quantitative defects of dysferlin. Identifiers: Orphanet 207073, MedGen C2931687, MONDO:0016145.

Submissions (2):

Women's Health and Genetics/Laboratory Corporation of America, LabCorp
Classification: Uncertain significance. Last evaluated: 2025-08-04. Review status: criteria provided, single submitter. Criteria: LabCorp Variant Classification Summary - May 2015. Collection method: clinical testing. Allele origin: germline.
Comment: Variant summary: DYSF c.4139T>C (p.Phe1380Ser) results in a non-conservative amino acid change located in the C2 domain (IPR000008) of the encoded protein sequence. Algorithms developed to predict the effect of missense changes on protein structure and function all suggest that this variant is likely to be disruptive. The variant was absent in 251194 control chromosomes. The available data on variant occurrences in the general population are insufficient to allow any conclusion about variant significance. c.4139T>C has been observed in individual(s) affected with Limb-Girdle Muscular Dystrophy, Autosomal Recessive (internal data). These data do not allow any conclusion about variant significance. To our knowledge, no experimental evidence demonstrating an impact on protein function has been reported. ClinVar contains an entry for this variant (Variation ID: 864337). Based on the evidence outlined above, the variant was classified as uncertain significance.

Labcorp Genetics (formerly Invitae), Labcorp
Classification: Likely pathogenic for Neuromuscular disease caused by qualitative or quantitative defects of dysferlin. Last evaluated: 2022-07-11. Review status: criteria provided, single submitter. Criteria: Invitae Variant Classification Sherloc (09022015). Collection method: clinical testing. Allele origin: germline.
Comment: In summary, the currently available evidence indicates that the variant is pathogenic, but additional data are needed to prove that conclusively. Therefore, this variant has been classified as Likely Pathogenic. Advanced modeling of protein sequence and biophysical properties (such as structural, functional, and spatial information, amino acid conservation, physicochemical variation, residue mobility, and thermodynamic stability) performed at Invitae indicates that this missense variant is expected to disrupt DYSF protein function. ClinVar contains an entry for this variant (Variation ID: 864337). This missense change has been observed in individual(s) with clinical features of limb-girdle muscular dystrophy (Invitae). In at least one individual the data is consistent with being in trans (on the opposite chromosome) from a pathogenic variant. This variant is not present in population databases (gnomAD no frequency). This sequence change replaces phenylalanine, which is neutral and non-polar, with serine, which is neutral and polar, at codon 1380 of the DYSF protein (p.Phe1380Ser).

NM_001130987.2(DYSF):c.4193T>C (p.Phe1398Ser)

Gene: DYSF (dysferlin; plus strand). Cytogenetic location: 2p13.2.
Variant type: single nucleotide variant.
Coding change: c.4193T>C on transcript NM_001130987.2 (MANE Select); coding-DNA position 4193, T replaced by C.
Protein change: p.Phe1398Ser; replaces phenylalanine 1398 with serine.
Molecular consequence: missense variant.
Genome position (GRCh38, 1-based): chr2:71,611,598, T>C. VCF-style: chr2-71611598-T-C. GRCh37 (hg19) VCF-style: chr2-71838728-T-C.
Other names: c.4142T>C, p.Phe1381Ser (NM_001130455.2, NM_001130983.2); c.4097T>C, p.Phe1366Ser (NM_001130976.2, NM_001130977.2); c.4139T>C, p.Phe1380Ser (NM_001130978.2, NM_003494.4); c.4232T>C, p.Phe1411Ser (NM_001130979.2); c.4190T>C, p.Phe1397Ser (NM_001130980.2, NM_001130981.2); c.4235T>C, p.Phe1412Ser (NM_001130982.2); c.4100T>C, p.Phe1367Ser (NM_001130984.2, NM_001130986.2); c.4193T>C, p.Phe1398Ser (NM_001130985.2); short protein forms F1367S, F1397S, F1398S, F1411S, F1412S, F1366S, F1380S, F1381S.
Identifiers: ClinVar variation 864337 (VCV000864337.11), dbSNP rs2093763492, ClinGen allele CA347228816.
Genomic context (GRCh38, chr2:71,611,598, plus strand): 5'-AGTGTGGGGGCCAGACGGTGCAGTCCTGTGTCATCAGGAACCTCCGGAAGAACCCCAACT[T>C]TGACATCTGCACCCTCTTCATGGAAGTGGTGAGCCCCACCTCCCTACTGTCCCCTTCCAG-3'
Protein context (NP_001124459.1, residues 1388-1408): VIRNLRKNPN[Phe1398Ser]DICTLFMEVM